The following is an entry in ClinVar:

NM_020433.5(JPH2):c.1169+5G>A

Gene: JPH2 (junctophilin 2; minus strand). Cytogenetic location: 20q13.12.
Variant type: single nucleotide variant.
Coding change: c.1169+5G>A on transcript NM_020433.5 (MANE Select); 5 bases into the intron after coding-DNA position 1169, G replaced by A.
Molecular consequence: intron variant.
Genome position (GRCh38, 1-based): chr20:44,159,613, C>T on the plus strand (G>A on the coding strand, the complement: JPH2 is on the minus strand). VCF-style: chr20-44159613-C-T. GRCh37 (hg19) VCF-style: chr20-42788253-C-T.
Identifiers: ClinVar variation 1311639 (VCV001311639.3), dbSNP rs766770510, ClinGen allele CA9868727.

ClinVar aggregate classification (germline): Uncertain significance. Review status: criteria provided, multiple submitters, no conflicts (2 of 4 stars). 2 submissions from 2 submitters: Uncertain significance (2). Last evaluated 2023-05-08.

Allele frequency attached by ClinVar (database versions not stated): TOPMed below 0.00001; ExAC 0.00001; gnomAD 0.00001; gnomAD exomes 0.00001.

Submissions (2):

Blueprint Genetics
Classification: Uncertain significance. Last evaluated: 2023-05-08. Review status: criteria provided, single submitter. Criteria: ACMG Guidelines, 2015. Collection method: clinical testing. Allele origin: germline.

GeneDx
Classification: Uncertain significance. Last evaluated: 2020-01-03. Review status: criteria provided, single submitter. Criteria: GeneDx Variant Classification Process June 2021. Collection method: clinical testing. Allele origin: germline. Affected: yes.
Comment: Has not been previously published as pathogenic or benign to our knowledge; In-silico analysis, which includes splice predictors and evolutionary conservation, is inconclusive as to whether the variant alters gene splicing; in the absence of RNA/functional studies, the actual effect of this sequence change is unknown